The following is an entry in ClinVar:

ClinVar aggregate classification (germline): Pathogenic (1 of 4 stars; one submission).

Conditions:
Mucopolysaccharidosis, MPS-II (MPS2). Also called: Hunter Syndrome; IDURONATE 2-SULFATASE DEFICIENCY; Mucopolysaccharidosis Type II; Mucopolysaccharidosis type 2; Attenuated MPS (subtype; formerly known as mild MPS II); Severe MPS II. Identifiers: Orphanet 580, Orphanet 79388, MedGen C0026705, MONDO:0010674, OMIM 309900.

Submission:

Laboratory of Diagnosis and Therapy of Lysosomal Disorders, University of Padova
Classification: Pathogenic for Mucopolysaccharidosis, MPS-II. Last evaluated: 2024-06-07. Review status: criteria provided, single submitter. Criteria: ACMG Guidelines, 2015. Collection method: literature only. Allele origin: germline. Affected: yes. Observed: 1 variant allele.
Comment: Null variant (PVS1_Strong), Absent from controls (or at low frequency) in gnomAD database (PM2_Moderate), Patient’s phenotype or family history highly specific for the disease (PP4_Strong)

Classification method: ACMG Guidelines [PMID:25741868] with modifications

Literature cited by the submitters: PubMed 27246110.

NM_000202.8(IDS):c.1462_1463insG (p.Met488fs)

Gene: IDS (iduronate 2-sulfatase; minus strand). Cytogenetic location: Xq28.
Variant type: Insertion.
Coding change: c.1462_1463insG on transcript NM_000202.8 (MANE Select); coding-DNA positions 1462 to 1463, G inserted.
Protein change: p.Met488fs; shifts the reading frame from methionine 488.
Molecular consequence: frameshift variant.
Genome position: GRCh38 VCF-style: chrX-149482936-A-AC. GRCh37 (hg19) VCF-style: chrX-148564467-A-AC.
Other names: c.1192_1193insG, p.Met398fs (NM_001166550.4); short protein forms M398fs, M488fs.
Identifiers: ClinVar variation 3256067 (VCV003256067.2).